The following is an entry in ClinVar:

NM_015645.5(C1QTNF5):c.-2139C>A

Genes: C1QTNF5 (C1q and TNF related 5; minus strand), MFRP (membrane frizzled-related protein; minus strand). Cytogenetic location: 11q23.3.
Variant type: single nucleotide variant.
Coding change: c.-2139C>A on transcript NM_015645.5; 2139 bases upstream of the start codon, C replaced by A.
Molecular consequence: 5 prime UTR variant. On other transcripts: synonymous variant (1).
Genome position (GRCh38, 1-based): chr11:119,345,563, G>T on the plus strand (C>A on the coding strand, the complement: C1QTNF5 is on the minus strand). VCF-style: chr11-119345563-G-T. GRCh37 (hg19) VCF-style: chr11-119216273-G-T.
Other names: c.498C>A, p.Pro166= (NM_031433.4).
Identifiers: ClinVar variation 4914534 (VCV004914534.2).

ClinVar aggregate classification (germline): Likely benign. Review status: criteria provided, multiple submitters, no conflicts (2 of 4 stars). 2 submissions from 2 submitters: Likely benign (2). Last evaluated 2026-06-12.

Conditions:
C1QTNF5-related disorder. Also called: C1QTNF5-related condition.

gnomAD v4.1: 13 of 1,612,332 alleles (0.00081%); highest among the groups gnomAD compares: Middle Eastern, 0.033%; no homozygotes.

Submissions (2):

PreventionGenetics, part of Exact Sciences
Classification: Likely benign for C1QTNF5-related condition. Last evaluated: 2026-06-12. Review status: criteria provided, single submitter. Criteria: ACMG Guidelines, 2015. Collection method: clinical testing. Allele origin: germline.
Comment: This variant is classified as likely benign based on ACMG/AMP sequence variant interpretation guidelines (Richards et al. 2015 PMID: 25741868, with internal and published modifications).

Blueprint Genetics
Classification: Likely benign. Last evaluated: 2023-09-04. Review status: criteria provided, single submitter. Criteria: ACMG Guidelines, 2015. Collection method: clinical testing. Allele origin: germline.